The following is an entry in ClinVar:

ClinVar aggregate classification (germline): Uncertain significance (1 of 4 stars; one submission).

Allele frequency attached by ClinVar (database versions not stated): gnomAD exomes below 0.00001; gnomAD 0.00001; TOPMed 0.00001.
gnomAD v4.1: 4 of 1,613,996 alleles (0.00025%); highest among the groups gnomAD compares: Admixed American, 0.0017%; no homozygotes.

Submission:

Labcorp Genetics (formerly Invitae), Labcorp
Classification: Uncertain significance. Last evaluated: 2022-09-01. Review status: criteria provided, single submitter. Criteria: Invitae Variant Classification Sherloc (09022015). Collection method: clinical testing. Allele origin: germline.
Comment: This variant is not present in population databases (gnomAD no frequency). This sequence change replaces serine, which is neutral and polar, with glycine, which is neutral and non-polar, at codon 155 of the REN protein (p.Ser155Gly). This variant has not been reported in the literature in individuals affected with REN-related conditions. In summary, the available evidence is currently insufficient to determine the role of this variant in disease. Therefore, it has been classified as a Variant of Uncertain Significance. Algorithms developed to predict the effect of missense changes on protein structure and function are either unavailable or do not agree on the potential impact of this missense change (SIFT: "Deleterious"; PolyPhen-2: "Benign"; Align-GVGD: "Class C0").

NM_000537.4(REN):c.463A>G (p.Ser155Gly)

Gene: REN (renin; minus strand). Cytogenetic location: 1q32.1.
Variant type: single nucleotide variant.
Coding change: c.463A>G on transcript NM_000537.4 (MANE Select); coding-DNA position 463, A replaced by G.
Protein change: p.Ser155Gly; replaces serine 155 with glycine.
Molecular consequence: missense variant.
Genome position (GRCh38, 1-based): chr1:204,160,589, T>C on the plus strand (A>G on the coding strand, the complement: REN is on the minus strand). VCF-style: chr1-204160589-T-C. GRCh37 (hg19) VCF-style: chr1-204129717-T-C.
Other names: short protein forms S155G.
Identifiers: ClinVar variation 1966354 (VCV001966354.5), dbSNP rs1558244998, ClinGen allele CA344339249.
Genomic context (GRCh38, chr1:204,160,589, plus strand): 5'-GGGGCAGATGACCTAGGGCGGCCCAACTTACGGTGATGATGTCCTGGCTGAGAAAGCCAC[T>C]GACTGTCCCTGTTGAATAGCGGAGGGTGAGTTCTGTTCCATTGTGCTTGTAGCTGGAGGA-3'
Protein context (NP_000528.1, residues 145-165): LTLRYSTGTV[Ser155Gly]GFLSQDIITV